The following is an entry in ClinVar:

ClinVar aggregate classification (germline): Uncertain significance. Review status: criteria provided, multiple submitters, no conflicts (2 of 4 stars). 5 submissions from 5 submitters: Uncertain significance (2). 3 of the submissions do not count toward it. Last evaluated 2025-07-19.

Conditions:
Inborn genetic diseases. Identifiers: MedGen C0950123, MeSH D030342.

Allele frequency attached by ClinVar (database versions not stated): TOPMed below 0.00001; ExAC 0.00001; gnomAD 0.00001; gnomAD exomes 0.00001 and 0.00002.
gnomAD v4.1: 8 of 1,612,790 alleles (0.0005%); highest among the groups gnomAD compares: Non-Finnish European, 0.00068%; no homozygotes.

Submissions (5):

Labcorp Genetics (formerly Invitae), Labcorp
Classification: Uncertain significance. Last evaluated: 2025-07-19. Review status: criteria provided, single submitter. Criteria: Invitae Variant Classification Sherloc (09022015). Collection method: clinical testing. Allele origin: germline.
Comment: This sequence change replaces leucine, which is neutral and non-polar, with proline, which is neutral and non-polar, at codon 87 of the ERCC2 protein (p.Leu87Pro). This variant is present in population databases (rs779462120, gnomAD 0.003%). This variant has not been reported in the literature in individuals affected with ERCC2-related conditions. ClinVar contains an entry for this variant (Variation ID: 1174612). Invitae Evidence Modeling of protein sequence and biophysical properties (such as structural, functional, and spatial information, amino acid conservation, physicochemical variation, residue mobility, and thermodynamic stability) indicates that this missense variant is expected to disrupt ERCC2 protein function with a positive predictive value of 80%. In summary, the available evidence is currently insufficient to determine the role of this variant in disease. Therefore, it has been classified as a Variant of Uncertain Significance.

Ambry Genetics
Classification: Uncertain significance for Inborn genetic diseases. Last evaluated: 2024-11-10. Review status: criteria provided, single submitter. Criteria: Ambry Variant Classification Scheme 2023. Collection method: clinical testing. Allele origin: germline.
Comment: The p.L87P variant (also known as c.260T>C), located in coding exon 5 of the ERCC2 gene, results from a T to C substitution at nucleotide position 260. The leucine at codon 87 is replaced by proline, an amino acid with similar properties. This amino acid position is conserved. In addition, this alteration is predicted to be deleterious by in silico analysis. Since supporting evidence is limited at this time, the clinical significance of this alteration remains unclear.

Clinical Genetics DNA and cytogenetics Diagnostics Lab, Erasmus MC, Erasmus Medical Center
Classification: Uncertain significance. Review status: no assertion criteria provided. Collection method: clinical testing. Allele origin: germline. Affected: yes. Study: VKGL Data-share Consensus. Not counted in ClinVar's aggregate classification.

Diagnostic Laboratory, Department of Genetics, University Medical Center Groningen
Classification: Uncertain significance. Review status: no assertion criteria provided. Collection method: clinical testing. Allele origin: germline. Affected: yes. Study: VKGL Data-share Consensus. Not counted in ClinVar's aggregate classification.

Laboratory of Diagnostic Genome Analysis, Leiden University Medical Center (LUMC)
Classification: Uncertain significance. Review status: no assertion criteria provided. Collection method: clinical testing. Allele origin: germline. Affected: yes. Study: VKGL Data-share Consensus. Not counted in ClinVar's aggregate classification.

NM_000400.4(ERCC2):c.260T>C (p.Leu87Pro)

Gene: ERCC2 (ERCC excision repair 2, TFIIH core complex helicase subunit; minus strand). Cytogenetic location: 19q13.32.
Variant type: single nucleotide variant.
Coding change: c.260T>C on transcript NM_000400.4 (MANE Select); coding-DNA position 260, T replaced by C.
Protein change: p.Leu87Pro; replaces leucine 87 with proline.
Molecular consequence: missense variant.
Genome position (GRCh38, 1-based): chr19:45,368,730, A>G on the plus strand (T>C on the coding strand, the complement: ERCC2 is on the minus strand). VCF-style: chr19-45368730-A-G. GRCh37 (hg19) VCF-style: chr19-45871988-A-G.
Other names: c.188T>C, p.Leu63Pro (NM_001130867.2); short protein forms L63P, L87P.
Identifiers: ClinVar variation 1174612 (VCV001174612.9), dbSNP rs779462120, ClinGen allele CA9513846.